The following is an entry in ClinVar:

NM_198904.4(GABRG2):c.549-1G>T

Gene: GABRG2 (gamma-aminobutyric acid type A receptor subunit gamma2; plus strand). Cytogenetic location: 5q34.
Variant type: single nucleotide variant.
Coding change: c.549-1G>T on transcript NM_198904.4 (MANE Select); the canonical splice acceptor site of the intron before coding-DNA position 549, G replaced by T.
Molecular consequence: splice acceptor variant.
Genome position (GRCh38, 1-based): chr5:162,101,234, G>T. VCF-style: chr5-162101234-G-T. GRCh37 (hg19) VCF-style: chr5-161528240-G-T.
Other names: c.264-1G>T (NM_001375349.1); c.549-1G>T (NM_001375343.1, NM_001375344.1, NM_001375340.1 and 4 more transcripts); c.129-1G>T (NM_001375350.1, NM_001375348.1); c.540-1G>T (NM_001375339.1); c.483-1G>T (NM_001375346.1, NM_001375345.1); c.462-1G>T (NM_001375347.1).
Identifiers: ClinVar variation 2953474 (VCV002953474.3), dbSNP rs2532581601, ClinGen allele CA362184484.

ClinVar aggregate classification (germline): Likely pathogenic (1 of 4 stars; one submission).

Conditions:
EPILEPSY, CHILDHOOD ABSENCE, SUSCEPTIBILITY TO, 2 (ECA2). Identifiers: Orphanet 64280, MedGen C1843244, OMIM 607681.
Febrile seizures, familial, 8 (FEB8). Also called: CONVULSIONS, FAMILIAL FEBRILE, 8. Identifiers: Orphanet 36387, MedGen C1969810, MONDO:0011891, OMIM 607681.

Submission:

Labcorp Genetics (formerly Invitae), Labcorp
Classification: Likely pathogenic for Febrile seizures, familial, 8; EPILEPSY, CHILDHOOD ABSENCE, SUSCEPTIBILITY TO, 2. Last evaluated: 2024-01-09. Review status: criteria provided, single submitter. Criteria: Invitae Variant Classification Sherloc (09022015). Collection method: clinical testing. Allele origin: germline.
Comment: This sequence change affects an acceptor splice site in intron 4 of the GABRG2 gene. It is expected to disrupt RNA splicing. Variants that disrupt the donor or acceptor splice site typically lead to a loss of protein function (PMID: 16199547), and loss-of-function variants in GABRG2 are known to be pathogenic (PMID: 22539854, 22750526, 24407264). This variant is not present in population databases (gnomAD no frequency). This variant has not been reported in the literature in individuals affected with GABRG2-related conditions. Algorithms developed to predict the effect of sequence changes on RNA splicing suggest that this variant may disrupt the consensus splice site. In summary, the currently available evidence indicates that the variant is pathogenic, but additional data are needed to prove that conclusively. Therefore, this variant has been classified as Likely Pathogenic.

Literature cited by the submitters: PubMed 16199547; PubMed 22539854; PubMed 22750526; PubMed 24407264.